The following is an entry in ClinVar:

ClinVar aggregate classification (germline): Uncertain significance. Review status: criteria provided, multiple submitters, no conflicts (2 of 4 stars). 2 submissions from 2 submitters: Uncertain significance (2). Last evaluated 2023-01-26.

Conditions:
Symmetrical dyschromatosis of extremities (DSH). Also called: Dyschromatosis symmetrica hereditaria; RETICULATE ACROPIGMENTATION OF DOHI; DYSCHROMATOSIS SYMMETRICA HEREDITARIA 1; SYMMETRIC DYSCHROMATOSIS OF THE EXTREMITIES. Identifiers: Orphanet 41, MedGen C0406775, MONDO:0007483, OMIM 127400.
Aicardi-Goutieres syndrome 6 (AGS6). Identifiers: Orphanet 51, MedGen C3539013, MONDO:0014007, OMIM 615010.

Submissions (2):

Labcorp Genetics (formerly Invitae), Labcorp
Classification: Uncertain significance for Aicardi-Goutieres syndrome 6; Symmetrical dyschromatosis of extremities. Last evaluated: 2023-01-26. Review status: criteria provided, single submitter. Criteria: Invitae Variant Classification Sherloc (09022015). Collection method: clinical testing. Allele origin: germline.
Comment: This sequence change replaces isoleucine, which is neutral and non-polar, with valine, which is neutral and non-polar, at codon 1212 of the ADAR protein (p.Ile1212Val). This variant is not present in population databases (gnomAD no frequency). This variant has not been reported in the literature in individuals affected with ADAR-related conditions. Algorithms developed to predict the effect of missense changes on protein structure and function output the following: SIFT: "Tolerated"; PolyPhen-2: "Benign"; Align-GVGD: "Class C0". The valine amino acid residue is found in multiple mammalian species, which suggests that this missense change does not adversely affect protein function. In summary, the available evidence is currently insufficient to determine the role of this variant in disease. Therefore, it has been classified as a Variant of Uncertain Significance.

Blueprint Genetics
Classification: Uncertain significance. Last evaluated: 2020-02-11. Review status: criteria provided, single submitter. Criteria: ACMG Guidelines, 2015. Collection method: clinical testing. Allele origin: germline.

NM_001111.5(ADAR):c.3634A>G (p.Ile1212Val)

Gene: ADAR (adenosine deaminase RNA specific; minus strand). Cytogenetic location: 1q21.3.
Variant type: single nucleotide variant.
Coding change: c.3634A>G on transcript NM_001111.5 (MANE Select); coding-DNA position 3634, A replaced by G.
Protein change: p.Ile1212Val; replaces isoleucine 1212 with valine.
Molecular consequence: missense variant.
Genome position (GRCh38, 1-based): chr1:154,584,853, T>C on the plus strand (A>G on the coding strand, the complement: ADAR is on the minus strand). VCF-style: chr1-154584853-T-C. GRCh37 (hg19) VCF-style: chr1-154557329-T-C.
Other names: c.2749A>G, p.Ile917Val (NM_001025107.3, NM_001193495.2, NM_001365046.1 and 2 more transcripts); c.3661A>G, p.Ile1221Val (NM_001365045.1); c.2671A>G, p.Ile891Val (NM_001365049.1); c.3556A>G, p.Ile1186Val (NM_015840.4); c.3499A>G, p.Ile1167Val (NM_015841.4); short protein forms I1221V, I891V, I1212V, I1167V, I1186V, I917V.
Identifiers: ClinVar variation 2939348 (VCV002939348.4), dbSNP rs1696640451, ClinGen allele CA342634518.
Genomic context (GRCh38, chr1:154,584,853, plus strand): 5'-TCACTGGAGCATACTATACTGGGCAGAGATAAAAGTTCTTTTCCTCCTGGGGTTTGCTAA[T>C]CCAGTTCCCATAGCCCATATCCTTCAGGCCTTTTTTGAAGTAGTTCTTGGCCGTCTCGTA-3'
Protein context (NP_001102.3, residues 1202-1222): GLKDMGYGNW[Ile1212Val]SKPQEEKNFY